The following is an entry in ClinVar:

NM_005428.4(VAV1):c.827+6A>C

Gene: VAV1 (vav guanine nucleotide exchange factor 1; plus strand). Cytogenetic location: 19p13.3.
Variant type: single nucleotide variant.
Coding change: c.827+6A>C on transcript NM_005428.4 (MANE Select); 6 bases into the intron after coding-DNA position 827, A replaced by C.
Molecular consequence: intron variant.
Genome position (GRCh38, 1-based): chr19:6,825,412, A>C. VCF-style: chr19-6825412-A-C. GRCh37 (hg19) VCF-style: chr19-6825423-A-C.
Other names: c.827+6A>C (NM_001258206.2); c.731+6A>C (NM_001258207.2).
Identifiers: ClinVar variation 2894932 (VCV002894932.3), dbSNP rs757738282, ClinGen allele CA9132356.
Genomic context (GRCh38, chr19:6,825,412, plus strand): 5'-TGGGCACCCCTGGCGCAGCCAATCTCTACCAGGTCTTCATCAAATACAAGGAGAGGTGAG[A>C]CCCAGCTGGCCAGACTGAAGCTCTGGGGTCACTCTGTCTTGCCTAGGCTGGGCATCTGAG-3'

ClinVar aggregate classification (germline): Uncertain significance (1 of 4 stars; one submission).

Allele frequency attached by ClinVar (database versions not stated): gnomAD exomes below 0.00001; ExAC 0.00001.
gnomAD v4.1: 2 of 1,609,628 alleles (0.00012%); highest among the groups gnomAD compares: Non-Finnish European, 0.00017%; no homozygotes.

Submission:

Labcorp Genetics (formerly Invitae), Labcorp
Classification: Uncertain significance. Last evaluated: 2023-10-05. Review status: criteria provided, single submitter. Criteria: Invitae Variant Classification Sherloc (09022015). Collection method: clinical testing. Allele origin: germline.
Comment: This sequence change falls in intron 8 of the VAV1 gene. It does not directly change the encoded amino acid sequence of the VAV1 protein. It affects a nucleotide within the consensus splice site. This variant is present in population databases (rs757738282, gnomAD 0.0009%). This variant has not been reported in the literature in individuals affected with VAV1-related conditions. Variants that disrupt the consensus splice site are a relatively common cause of aberrant splicing (PMID: 17576681, 9536098). Algorithms developed to predict the effect of sequence changes on RNA splicing suggest that this variant is not likely to affect RNA splicing. In summary, the available evidence is currently insufficient to determine the role of this variant in disease. Therefore, it has been classified as a Variant of Uncertain Significance.

Literature cited by the submitters: PubMed 17576681; PubMed 9536098.